The following is an entry in ClinVar:

NM_001365276.2(TNXB):c.7698G>A (p.Val2566=)

Gene: TNXB (tenascin XB; minus strand). Cytogenetic location: 6p21.33.
Variant type: single nucleotide variant.
Coding change: c.7698G>A on transcript NM_001365276.2 (MANE Select); coding-DNA position 7698, G replaced by A.
Protein change: p.Val2566=; no amino-acid change (valine 2566 retained).
Molecular consequence: synonymous variant.
Genome position (GRCh38, 1-based): chr6:32,058,185, C>T on the plus strand (G>A on the coding strand, the complement: TNXB is on the minus strand). VCF-style: chr6-32058185-C-T. GRCh37 (hg19) VCF-style: chr6-32025962-C-T.
Other names: c.8439G>A, p.Val2813= (NM_001428335.1); c.7698G>A, p.Val2566= (NM_019105.8).
Identifiers: ClinVar variation 4989420 (VCV004989420.1).
Genomic context (GRCh38, chr6:32,058,185, plus strand): 5'-GTACTTGCGCCCAGGCTCCAGGCCCCTCACAGTGACCTTGCTCTCCTGGCCCCCAACACG[C>T]ACCGCCTGGGGCCGCCCGTCCCTGTCCTTGTACTGCACGGTGAAGGAGTCAAAGCGGCCC-3'
Protein context (NP_001352205.1, residues 2556-2576): YKDRDGRPQA[Val2566=]RVGGQESKVT

ClinVar aggregate classification (germline): Likely benign (1 of 4 stars; one submission).

Conditions:
TNXB-related disorder. Also called: TNXB-related condition.

gnomAD v4.1: 2 of 1,612,566 alleles (0.00012%); highest among the groups gnomAD compares: South Asian, 0.0011%; no homozygotes.

Submission:

PreventionGenetics, part of Exact Sciences
Classification: Likely benign for TNXB-related condition. Last evaluated: 2025-08-20. Review status: criteria provided, single submitter. Criteria: ACMG Guidelines, 2015. Collection method: clinical testing. Allele origin: germline.
Comment: This variant is classified as likely benign based on ACMG/AMP sequence variant interpretation guidelines (Richards et al. 2015 PMID: 25741868, with internal and published modifications).